The following is an entry in ClinVar:

ClinVar aggregate classification (germline): Pathogenic (1 of 4 stars; one submission).

Conditions:
Wilms tumor 1 (WT1). Also called: Wilms tumor, somatic. Identifiers: Orphanet 654, MedGen CN033288, MONDO:0008679, OMIM 194070.
11p partial monosomy syndrome (WAGR). Also called: WAGR syndrome; WAGR Spectrum Disorder; CHROMOSOME 11p13 DELETION SYNDROME; WAGR Complex. Identifiers: Orphanet 893, MedGen C0206115, MONDO:0008681, OMIM 194072.
Frasier syndrome. Identifiers: Orphanet 347, MedGen C0950122, MeSH D052159, MONDO:0007635, OMIM 136680.
Drash syndrome (DDS). Also called: WILMS TUMOR AND PSEUDO- OR TRUE HERMAPHRODITISM; NEPHROPATHY, WILMS TUMOR, AND GENITAL ANOMALIES. Identifiers: Orphanet 220, MedGen C0950121, MONDO:0008682, OMIM 194080.

Submission:

Labcorp Genetics (formerly Invitae), Labcorp
Classification: Pathogenic for Wilms tumor 1; Drash syndrome; 11p partial monosomy syndrome; Frasier syndrome. Last evaluated: 2019-11-07. Review status: criteria provided, single submitter. Criteria: Invitae Variant Classification Sherloc (09022015). Collection method: clinical testing. Allele origin: germline.
Comment: This sequence change creates a premature translational stop signal (p.Leu294Phefs*4) in the WT1 gene. It is expected to result in an absent or disrupted protein product. This variant is not present in population databases (ExAC no frequency). This variant has not been reported in the literature in individuals with WT1-related conditions. Loss-of-function variants in WT1 are known to be pathogenic (PMID: 15150775). For these reasons, this variant has been classified as Pathogenic.

NM_024426.6(WT1):c.897del (p.Leu299fs)

Gene: WT1 (WT1 transcription factor; minus strand). Cytogenetic location: 11p13.
Variant type: Deletion.
Coding change: c.897del on transcript NM_024426.6 (MANE Select); coding-DNA position 897, one base deleted (A; older notation c.897delA).
Protein change: p.Leu299fs; shifts the reading frame from leucine 299.
Molecular consequence: frameshift variant. On other transcripts: non-coding transcript variant (1).
Genome position (GRCh38, 1-based): chr11:32,417,645, T deleted on the plus strand (A on the coding strand, the reverse complement: WT1 is on the minus strand). VCF-style (leftmost placement, unchanged base first): chr11-32417644-AT-A. GRCh37 (hg19) VCF-style: chr11-32439190-AT-A.
Other names: c.897del, p.Leu299fs (NM_000378.6, NM_024424.5); c.246delA, p.Leu82Phefs (NM_001198551.2); c.246del, p.Leu82fs (NM_001198552.2); c.897delA, p.Leu299Phefs (NM_001407044.1, NM_001407045.1, NM_001407046.1 and 2 more transcripts); c.774delA, p.Leu258Phefs (NM_001407047.1, NM_001407050.1); c.135delA, p.Leu45Phefs (NM_001407051.1); c.882delA, p.Leu294Phefs (NM_024425.2); short protein forms L299fs, L82fs.
Identifiers: ClinVar variation 958253 (VCV000958253.2), dbSNP rs1852720329, ClinGen allele CA1139661877.